The following is an entry in ClinVar:

NM_006397.3(RNASEH2A):c.671T>A (p.Val224Glu)

Gene: RNASEH2A (ribonuclease H2 subunit A; plus strand). Cytogenetic location: 19p13.13.
Variant type: single nucleotide variant.
Coding change: c.671T>A on transcript NM_006397.3 (MANE Select); coding-DNA position 671, T replaced by A.
Protein change: p.Val224Glu; replaces valine 224 with glutamic acid.
Molecular consequence: missense variant.
Genome position (GRCh38, 1-based): chr19:12,813,116, T>A. VCF-style: chr19-12813116-T-A. GRCh37 (hg19) VCF-style: chr19-12923930-T-A.
Other names: short protein forms V224E.
Identifiers: ClinVar variation 845489 (VCV000845489.6), dbSNP rs1321788478, ClinGen allele CA404268957.

ClinVar aggregate classification (germline): Uncertain significance. Review status: criteria provided, multiple submitters, no conflicts (2 of 4 stars). 2 submissions from 2 submitters: Uncertain significance (2). Last evaluated 2022-09-01.

Conditions:
Aicardi-Goutieres syndrome 4. Identifiers: Orphanet 51, MedGen C1835912, MONDO:0012472, OMIM 610333.

Submissions (2):

3billion
Classification: Uncertain significance for Aicardi-Goutieres syndrome 4. Last evaluated: 2022-09-01. Review status: criteria provided, single submitter. Criteria: ACMG Guidelines, 2015. Collection method: clinical testing. Allele origin: germline. Affected: yes. Observed: 1 homozygote.
Comment: This missense variant is not observed in the gnomAD v2.1.1 dataset. In silico tool predictions suggest damaging effect of the variant on gene or gene product (REVEL: 0.61; 3Cnet: 0.38). Therefore, this variant is classified as uncertain significance according to the recommendation of ACMG/AMP guideline.

Labcorp Genetics (formerly Invitae), Labcorp
Classification: Uncertain significance for Aicardi-Goutieres syndrome 4. Last evaluated: 2022-07-12. Review status: criteria provided, single submitter. Criteria: Invitae Variant Classification Sherloc (09022015). Collection method: clinical testing. Allele origin: germline.
Comment: This sequence change replaces valine, which is neutral and non-polar, with glutamic acid, which is acidic and polar, at codon 224 of the RNASEH2A protein (p.Val224Glu). This variant is not present in population databases (gnomAD no frequency). This variant has not been reported in the literature in individuals affected with RNASEH2A-related conditions. ClinVar contains an entry for this variant (Variation ID: 845489). Algorithms developed to predict the effect of missense changes on protein structure and function are either unavailable or do not agree on the potential impact of this missense change (SIFT: "Deleterious"; PolyPhen-2: "Probably Damaging"; Align-GVGD: "Class C0"). In summary, the available evidence is currently insufficient to determine the role of this variant in disease. Therefore, it has been classified as a Variant of Uncertain Significance.